The following is an entry in ClinVar:

NM_004100.5(EYA4):c.1904A>C (p.Glu635Ala)

Genes: EYA4 (EYA transcriptional coactivator and phosphatase 4; plus strand), TARID (TCF21 antisense RNA inducing promoter demethylation; minus strand). Cytogenetic location: 6q23.2.
Variant type: single nucleotide variant.
Coding change: c.1904A>C on transcript NM_004100.5 (MANE Select); coding-DNA position 1904, A replaced by C.
Protein change: p.Glu635Ala; replaces glutamic acid 635 with alanine.
Molecular consequence: missense variant.
Genome position (GRCh38, 1-based): chr6:133,528,789, A>C. VCF-style: chr6-133528789-A-C. GRCh37 (hg19) VCF-style: chr6-133849927-A-C.
Other names: c.1742A>C, p.Glu581Ala (NM_001301012.2); c.1922A>C, p.Glu641Ala (NM_001301013.2); c.1835A>C, p.Glu612Ala (NM_001370458.1, NM_172103.4); c.1760A>C, p.Glu587Ala (NM_001370459.1); c.1904A>C, p.Glu635Ala (NM_172105.4); short protein forms E581A, E587A, E612A, E635A, E641A.
Identifiers: ClinVar variation 1806628 (VCV001806628.1), dbSNP rs2535562887, ClinGen allele CA365703288.

ClinVar aggregate classification (germline): Uncertain significance (1 of 4 stars; one submission).

Submission:

GeneDx
Classification: Uncertain significance. Last evaluated: 2022-06-24. Review status: criteria provided, single submitter. Criteria: GeneDx Variant Classification Process June 2021. Collection method: clinical testing. Allele origin: germline. Affected: yes.
Comment: Not observed at significant frequency in large population cohorts (gnomAD); In silico analysis supports that this missense variant has a deleterious effect on protein structure/function; Has not been previously published as pathogenic or benign to our knowledge